The following is an entry in ClinVar:

ClinVar aggregate classification (germline): Uncertain significance. Review status: criteria provided, multiple submitters, no conflicts (2 of 4 stars). 3 submissions from 3 submitters: Uncertain significance (3). Last evaluated 2024-02-26.

Conditions:
Hereditary cancer-predisposing syndrome. Also called: Neoplastic Syndromes, Hereditary; Tumor predisposition; Hereditary Cancer Syndrome; Hereditary neoplastic syndrome. Identifiers: Orphanet 140162, MedGen C0027672, MeSH D009386, MONDO:0015356.
Polyps, multiple and recurrent inflammatory fibroid, gastrointestinal. Identifiers: MedGen C5193005, MONDO:0008285, OMIM 175510.
Gastrointestinal stromal tumor. Also called: Gastrointestinal stromal tumor, somatic; Gastrointestinal stroma tumor. Identifiers: Orphanet 44890, MedGen C0238198, MeSH D046152, MONDO:0011719, OMIM 606764, HP:0100723.

Allele frequency attached by ClinVar (database versions not stated): gnomAD exomes below 0.00001.
gnomAD v4.1: 7 of 1,612,994 alleles (0.00043%); highest among the groups gnomAD compares: Non-Finnish European, 0.00042%; no homozygotes.

Submissions (3):

Ambry Genetics
Classification: Uncertain significance for Hereditary cancer-predisposing syndrome. Last evaluated: 2024-02-26. Review status: criteria provided, single submitter. Criteria: Ambry Variant Classification Scheme 2023. Collection method: clinical testing. Allele origin: germline.
Comment: The p.M745T variant (also known as c.2234T>C), located in coding exon 15 of the PDGFRA gene, results from a T to C substitution at nucleotide position 2234. The methionine at codon 745 is replaced by threonine, an amino acid with similar properties. This amino acid position is conserved. In addition, this alteration is predicted to be deleterious by in silico analysis. Based on the available evidence, the clinical significance of this alteration remains unclear.

Labcorp Genetics (formerly Invitae), Labcorp
Classification: Uncertain significance for Gastrointestinal stromal tumor. Last evaluated: 2023-10-09. Review status: criteria provided, single submitter. Criteria: Invitae Variant Classification Sherloc (09022015). Collection method: clinical testing. Allele origin: germline.
Comment: This sequence change replaces methionine, which is neutral and non-polar, with threonine, which is neutral and polar, at codon 745 of the PDGFRA protein (p.Met745Thr). This variant is present in population databases (no rsID available, gnomAD 0.0009%). This variant has not been reported in the literature in individuals affected with PDGFRA-related conditions. ClinVar contains an entry for this variant (Variation ID: 660989). Advanced modeling of protein sequence and biophysical properties (such as structural, functional, and spatial information, amino acid conservation, physicochemical variation, residue mobility, and thermodynamic stability) has been performed at Invitae for this missense variant, however the output from this modeling did not meet the statistical confidence thresholds required to predict the impact of this variant on PDGFRA protein function. In summary, the available evidence is currently insufficient to determine the role of this variant in disease. Therefore, it has been classified as a Variant of Uncertain Significance.

Baylor Genetics
Classification: Uncertain significance for Polyps, multiple and recurrent inflammatory fibroid, gastrointestinal. Last evaluated: 2023-05-18. Review status: criteria provided, single submitter. Criteria: ACMG Guidelines, 2015. Collection method: clinical testing. Allele origin: unknown.

NM_006206.6(PDGFRA):c.2234T>C (p.Met745Thr)

Gene: PDGFRA (platelet derived growth factor receptor alpha; plus strand). Cytogenetic location: 4q12.
Variant type: single nucleotide variant.
Coding change: c.2234T>C on transcript NM_006206.6 (MANE Select); coding-DNA position 2234, T replaced by C.
Protein change: p.Met745Thr; replaces methionine 745 with threonine.
Molecular consequence: missense variant.
Genome position (GRCh38, 1-based): chr4:54,280,393, T>C. VCF-style: chr4-54280393-T-C. GRCh37 (hg19) VCF-style: chr4-55146560-T-C.
Other names: c.2234T>C, p.Met745Thr (NM_001347827.2, NM_001347829.2); c.2309T>C, p.Met770Thr (NM_001347828.2); c.2273T>C, p.Met758Thr (NM_001347830.2); short protein forms M758T, M770T, M745T.
Identifiers: ClinVar variation 660989 (VCV000660989.13), dbSNP rs1368223217, ClinGen allele CA356894366.